The following is an entry in ClinVar:

ClinVar aggregate classification (germline): Conflicting classifications of pathogenicity. Review status: criteria provided, conflicting classifications (1 of 4 stars). 2 submissions from 2 submitters: Uncertain significance (1); Likely benign (1). Last evaluated 2025-11-24.

Conditions:
Cardiovascular phenotype. Identifiers: MedGen CN230736.
Hereditary cancer-predisposing syndrome. Also called: Hereditary neoplastic syndrome; Neoplastic Syndromes, Hereditary; Tumor predisposition; Hereditary Cancer Syndrome. Identifiers: Orphanet 140162, MedGen C0027672, MeSH D009386, MONDO:0015356.
Neurofibromatosis, type 1 (NF1). Also called: Peripheral type neurofibromatosis; Neurofibromatosis, type I; VON RECKLINGHAUSEN DISEASE; NEUROFIBROMATOSIS, TYPE I, SOMATIC. Identifiers: Orphanet 636, MedGen C0027831, MONDO:0018975, OMIM 162200. Disease mechanism: loss of function.

Submissions (2):

Ambry Genetics
Classification: Likely benign for Cardiovascular phenotype; Hereditary cancer-predisposing syndrome. Last evaluated: 2025-11-24. Review status: criteria provided, single submitter. Criteria: Ambry Variant Classification Scheme 2023. Collection method: clinical testing. Allele origin: germline.

Labcorp Genetics (formerly Invitae), Labcorp
Classification: Uncertain significance for Neurofibromatosis, type 1. Last evaluated: 2023-09-27. Review status: criteria provided, single submitter. Criteria: Invitae Variant Classification Sherloc (09022015). Collection method: clinical testing. Allele origin: germline.
Comment: This sequence change replaces aspartic acid, which is acidic and polar, with glutamic acid, which is acidic and polar, at codon 1302 of the NF1 protein (p.Asp1302Glu). This variant is not present in population databases (gnomAD no frequency). This variant has not been reported in the literature in individuals affected with NF1-related conditions. ClinVar contains an entry for this variant (Variation ID: 1019392). Advanced modeling of protein sequence and biophysical properties (such as structural, functional, and spatial information, amino acid conservation, physicochemical variation, residue mobility, and thermodynamic stability) performed at Invitae indicates that this missense variant is not expected to disrupt NF1 protein function. In summary, the available evidence is currently insufficient to determine the role of this variant in disease. Therefore, it has been classified as a Variant of Uncertain Significance.

NM_001042492.3(NF1):c.3906T>A (p.Asp1302Glu)

Gene: NF1 (neurofibromin 1; plus strand). Cytogenetic location: 17q11.2.
Variant type: single nucleotide variant.
Coding change: c.3906T>A on transcript NM_001042492.3 (MANE Select); coding-DNA position 3906, T replaced by A.
Protein change: p.Asp1302Glu; replaces aspartic acid 1302 with glutamic acid.
Molecular consequence: missense variant.
Genome position (GRCh38, 1-based): chr17:31,235,953, T>A. VCF-style: chr17-31235953-T-A. GRCh37 (hg19) VCF-style: chr17-29562971-T-A.
Other names: c.3906T>A, p.Asp1302Glu (NM_000267.4); short protein forms D1302E.
Identifiers: ClinVar variation 1019392 (VCV001019392.6), dbSNP rs549058591, ClinGen allele CA398993109.